The following is an entry in ClinVar:

ClinVar aggregate classification (germline): Uncertain significance (1 of 4 stars; one submission).

Conditions:
Hereditary cancer-predisposing syndrome. Also called: Neoplastic Syndromes, Hereditary; Tumor predisposition; Hereditary Cancer Syndrome; Hereditary neoplastic syndrome. Identifiers: Orphanet 140162, MedGen C0027672, MeSH D009386, MONDO:0015356.

Submission:

Ambry Genetics
Classification: Uncertain significance for Hereditary cancer-predisposing syndrome. Last evaluated: 2022-10-12. Review status: criteria provided, single submitter. Criteria: Ambry Variant Classification Scheme 2023. Collection method: clinical testing. Allele origin: germline.
Comment: The p.S744T variant (also known as c.2231G>C), located in coding exon 15 of the CTNNA1 gene, results from a G to C substitution at nucleotide position 2231. The serine at codon 744 is replaced by threonine, an amino acid with similar properties. This amino acid position is conserved. In addition, this alteration is predicted to be tolerated by in silico analysis. Since supporting evidence is limited at this time, the clinical significance of this alteration remains unclear.

NM_001903.5(CTNNA1):c.2231G>C (p.Ser744Thr)

Gene: CTNNA1 (catenin alpha 1; plus strand). Cytogenetic location: 5q31.2.
Variant type: single nucleotide variant.
Coding change: c.2231G>C on transcript NM_001903.5 (MANE Select); coding-DNA position 2231, G replaced by C.
Protein change: p.Ser744Thr; replaces serine 744 with threonine.
Molecular consequence: missense variant.
Genome position (GRCh38, 1-based): chr5:138,930,868, G>C. VCF-style: chr5-138930868-G-C. GRCh37 (hg19) VCF-style: chr5-138266557-G-C.
Other names: c.2231G>C, p.Ser744Thr (NM_001290307.3, NM_001323982.2, NM_001323983.1 and 2 more transcripts); c.1922G>C, p.Ser641Thr (NM_001290309.3); c.1862G>C, p.Ser621Thr (NM_001290310.3); c.1121G>C, p.Ser374Thr (NM_001290312.1, NM_001323987.1, NM_001323988.1 and 17 more transcripts); c.2138G>C, p.Ser713Thr (NM_001323986.2); c.782G>C, p.Ser261Thr (NM_001324006.1, NM_001324007.1, NM_001324008.1 and 2 more transcripts); c.1028G>C, p.Ser343Thr (NM_001324011.1); c.878G>C, p.Ser293Thr (NM_001324012.1, NM_001324013.1); short protein forms S374T, S621T, S713T, S744T, S261T, S293T, S343T, S641T.
Identifiers: ClinVar variation 1788122 (VCV001788122.2), dbSNP rs377649610, ClinGen allele CA361133828.